The following is an entry in ClinVar:

NM_001130987.2(DYSF):c.2110-43G>T

Gene: DYSF (dysferlin; plus strand). Cytogenetic location: 2p13.2.
Variant type: single nucleotide variant.
Coding change: c.2110-43G>T on transcript NM_001130987.2 (MANE Select); 43 bases into the intron before coding-DNA position 2110, G replaced by T.
Molecular consequence: intron variant.
Genome position (GRCh38, 1-based): chr2:71,555,922, G>T. VCF-style: chr2-71555922-G-T. GRCh37 (hg19) VCF-style: chr2-71783052-G-T.
Other names: c.2149-43G>T (NM_001130979.2); c.2107-43G>T (NM_001130981.2, NM_001130980.2); c.2056-43G>T (NM_001130978.2, NM_003494.4); c.2014-43G>T (NM_001130977.2, NM_001130976.2); c.2152-43G>T (NM_001130982.2); c.2110-43G>T (NM_001130985.2); c.2059-43G>T (NM_001130983.2, NM_001130455.2); c.2017-43G>T (NM_001130984.2, NM_001130986.2).
Identifiers: ClinVar variation 259070 (VCV000259070.2), dbSNP rs72827543, ClinGen allele CA1706057.

ClinVar aggregate classification (germline): Benign/Likely benign. Review status: criteria provided, multiple submitters, no conflicts (2 of 4 stars). 2 submissions from 2 submitters: Benign (1); Likely benign (1). Last evaluated 2018-06-19.

Allele frequency attached by ClinVar (database versions not stated): 1000 Genomes Project 0.00759; 1000 Genomes Project 30x 0.00812; ExAC 0.00983; gnomAD exomes 0.01352 and 0.01996; ESP Exome Variant Server 0.01426; TOPMed 0.01426; gnomAD 0.01729 and 0.01798.
gnomAD v4.1: 29,081 of 1,490,578 alleles (2%); highest among the groups gnomAD compares: Non-Finnish European, 2.3%; 348 homozygotes.

Submissions (2):

GeneDx
Classification: Likely benign. Last evaluated: 2018-06-19. Review status: criteria provided, single submitter. Criteria: GeneDx Variant Classification (06012015). Collection method: clinical testing. Allele origin: germline. Affected: yes.
Comment: This variant is considered likely benign or benign based on one or more of the following criteria: it is a conservative change, it occurs at a poorly conserved position in the protein, it is predicted to be benign by multiple in silico algorithms, and/or has population frequency not consistent with disease.

PreventionGenetics, part of Exact Sciences
Classification: Benign. Review status: criteria provided, single submitter. Criteria: ACMG Guidelines, 2015. Collection method: clinical testing. Allele origin: germline.